The following is an entry in ClinVar:

ClinVar aggregate classification (germline): Uncertain significance. Review status: reviewed by expert panel (3 of 4 stars). 2 submissions from 2 submitters: Uncertain significance (1). 1 of the submissions does not count toward it. Last evaluated 2025-08-01.

Conditions:
Malignant hyperthermia of anesthesia. Also called: Anesthesic-triggered malignant hyperthermia. Identifiers: Orphanet 423, MedGen C0024591, MONDO:0018493, HP:0034733.

Submissions (2):

ClinGen Malignant Hyperthermia Susceptibility Variant Curation Expert Panel, ClinGen
Classification: Uncertain significance for Malignant hyperthermia of anesthesia. Last evaluated: 2025-08-01. Review status: reviewed by expert panel. Criteria: ClinGen MHS ACMG Specifications V2. Collection method: curation. Allele origin: germline. Inheritance: Autosomal dominant inheritance.
Comment: This pathogenicity assessment is relevant only for malignant hyperthermia susceptibility (MHS) inherited in an autosomal dominant pattern. Variants in RYR1 can also cause other myopathies inherited in an autosomal dominant pattern or in an autosomal recessive pattern. Some of these disorders may predispose individuals to malignant hyperthermia. RYR1 variants may also contribute to a malignant hyperthermia reaction in combination with other genetic and non-genetic factors and the clinician needs to consider such factors in making management decisions. This sequence variant predicts a substitution of leucine with proline at codon 4665 of the RYR1 protein, p.(Leu4665Pro), c.13994_13995delTCinsCT. This variant was not present in a large population database (gnomAD) at the time this variant was interpreted. This individual did not have a positive in vitro contracture test (IVCT) or caffeine halothane contracture test (CHCT) result (PMID: 17483490), PS4 was not met, PM6_supporting was implemented. No functional studies were identified for this variant. This variant resides in a region of RYR1 considered to be a hotspot for pathogenic variants that contribute to MHS, PM1_Sup (PMID: 21118704). No REVEL score was available for this variant. This variant has been classified as a Variant of Unknown Significance. Criteria implemented: PM6_Supporting, PM1_Supporting.

RYR1 database
No classification provided. Review status: no classification provided. Collection method: not provided. Allele origin: unknown. Not counted in ClinVar's aggregate classification.

NM_000540.3(RYR1):c.13994_13995delinsCT (p.Leu4665Pro)

Gene: RYR1 (ryanodine receptor 1; plus strand). Cytogenetic location: 19q13.2.
Variant type: Indel.
Coding change: c.13994_13995delinsCT on transcript NM_000540.3 (MANE Select); coding-DNA positions 13994 to 13995, TC replaced by CT.
Protein change: p.Leu4665Pro; replaces leucine 4665 with proline.
Molecular consequence: missense variant.
Genome position (GRCh38, 1-based): chr19:38,572,266-38,572,267, TC replaced by CT. VCF-style: chr19-38572266-TC-CT. GRCh37 (hg19) VCF-style: chr19-39062906-TC-CT.
Other names: c.13979_13980delinsCT (NM_001042723.2); c.13979_13980delinsCT, p.Leu4660Pro (NM_001042723.2); short protein forms L4660P, L4665P.
Identifiers: ClinVar variation 133055 (VCV000133055.4), dbSNP rs193922862, ClinGen allele CA024095.